The following is an entry in ClinVar:

ClinVar aggregate classification (germline): Likely benign (0 of 4 stars; one submission).

Conditions:
BVES-related disorder. Also called: BVES-related condition.

Allele frequency attached by ClinVar (database versions not stated): gnomAD 0.00005; TOPMed 0.00005.
gnomAD v4.1: 15 of 1,612,400 alleles (0.00093%); highest among the groups gnomAD compares: African/African-American, 0.015%; no homozygotes.

Submission:

PreventionGenetics, part of Exact Sciences
Classification: Likely benign for BVES-related condition. Last evaluated: 2019-08-13. Review status: no assertion criteria provided. Collection method: clinical testing. Allele origin: germline.
Comment: This variant is classified as likely benign based on ACMG/AMP sequence variant interpretation guidelines (Richards et al. 2015 PMID: 25741868, with internal and published modifications).

NM_001199563.2(POPDC1):c.747T>C (p.Phe249=)

Gene: POPDC1 (popeye domain cAMP effector 1; minus strand). Cytogenetic location: 6q21.
Variant type: single nucleotide variant.
Coding change: c.747T>C on transcript NM_001199563.2 (MANE Select); coding-DNA position 747, T replaced by C.
Protein change: p.Phe249=; no amino-acid change (phenylalanine 249 retained).
Molecular consequence: synonymous variant.
Genome position (GRCh38, 1-based): chr6:105,116,770, A>G on the plus strand (T>C on the coding strand, the complement: POPDC1 is on the minus strand). VCF-style: chr6-105116770-A-G. GRCh37 (hg19) VCF-style: chr6-105564645-A-G.
Other names: c.747T>C, p.Phe249= (NM_007073.4, NM_147147.4).
Identifiers: ClinVar variation 3035493 (VCV003035493.2), dbSNP rs375292102, ClinGen allele CA3940967.